The following is an entry in ClinVar:

ClinVar aggregate classification (germline): Pathogenic (1 of 4 stars; one submission).

Conditions:
Familial thoracic aortic aneurysm and aortic dissection (TAAD). Also called: Thoracic aortic aneurysms and dissections. Identifiers: Orphanet 91387, MedGen C4707243, MONDO:0019625.

Submission:

Ambry Genetics
Classification: Pathogenic for Familial thoracic aortic aneurysm and aortic dissection. Last evaluated: 2016-12-30. Review status: criteria provided, single submitter. Criteria: Ambry Variant Classification Scheme 2023. Collection method: clinical testing. Allele origin: germline.
Comment: The p.C2581S pathogenic mutation (also known as c.7741T>A), located in coding exon 62 of the FBN1 gene, results from a T to A substitution at nucleotide position 7741. The cysteine at codon 2581 is replaced by serine, an amino acid with dissimilar properties. This alteration has been reported as de novo in an individual with Marfan syndrome (Hilhorst-Hofstee Y et al. J. Child Neurol., 2008 Aug;23:954-5). Several alternate amino acid substitutions at this position have also been reported in individuals with Marfan syndrome, suggesting this position to be a mutation hotspot (Loeys B et al. Arch. Intern. Med., 2001 Nov;161:2447-54; Howarth R et al. Genet. Test., 2007;11:146-52; K&ouml;rkk&ouml; J et al. J. Med. Genet., 2002 Jan;39:34-41; Turner CL et al. Am. J. Med. Genet. A, 2009 Feb;149A:161-70). This amino acid is located in a calcium-binding EGF-like (cbEGF) domain, and is predicted to participate in disulfide bonding. The majority of FBN1 mutations identified to date have involved the substitution or generation of cysteine residues within cbEGF domains (Vollbrandt T et al. J Biol Chem. 2004;279(31):32924-32931). Based on the supporting evidence, this alteration is interpreted as a disease-causing mutation.

Literature cited by the submitters: PubMed 11700157; PubMed 11826022; PubMed 17627385; PubMed 18354149; PubMed 19161152.

NM_000138.5(FBN1):c.7741T>A (p.Cys2581Ser)

Gene: FBN1 (fibrillin 1; minus strand). Cytogenetic location: 15q21.1.
Variant type: single nucleotide variant.
Coding change: c.7741T>A on transcript NM_000138.5 (MANE Select); coding-DNA position 7741, T replaced by A.
Protein change: p.Cys2581Ser; replaces cysteine 2581 with serine.
Molecular consequence: missense variant.
Genome position (GRCh38, 1-based): chr15:48,420,765, A>T on the plus strand (T>A on the coding strand, the complement: FBN1 is on the minus strand). VCF-style: chr15-48420765-A-T. GRCh37 (hg19) VCF-style: chr15-48712962-A-T.
Other names: c.7741T>A, p.Cys2581Ser (NM_001406716.1); short protein forms C2581S.
Identifiers: ClinVar variation 1760403 (VCV001760403.2), dbSNP rs1165503481, ClinGen allele CA392324761.
Genomic context (GRCh38, chr15:48,420,765, plus strand): 5'-GGTAGTGCTGGAGGTAGCCCTGGGGGCAGCTGCACCTGTAGCCCCCAATGATGTTCTGGC[A>T]GCCATGCTGGCAGCGGTGGTTACCCTCACACTCGTCCACGTCTGAAAAAGAAGCAGAGCC-3'
Protein context (NP_000129.3, residues 2571-2591): CEGNHRCQHG[Cys2581Ser]QNIIGGYRCS